The following is an entry in ClinVar:

NM_001231.5(CASQ1):c.913G>A (p.Ala305Thr)

Gene: CASQ1 (calsequestrin 1; plus strand). Cytogenetic location: 1q23.2.
Variant type: single nucleotide variant.
Coding change: c.913G>A on transcript NM_001231.5 (MANE Select); coding-DNA position 913, G replaced by A.
Protein change: p.Ala305Thr; replaces alanine 305 with threonine.
Molecular consequence: missense variant.
Genome position (GRCh38, 1-based): chr1:160,198,982, G>A. VCF-style: chr1-160198982-G-A. GRCh37 (hg19) VCF-style: chr1-160168772-G-A.
Other names: short protein forms A305T.
Identifiers: ClinVar variation 4708086 (VCV004708086.1).

ClinVar aggregate classification (germline): Uncertain significance (1 of 4 stars; one submission).

gnomAD v4.1: 10 of 1,612,800 alleles (0.00062%); highest among the groups gnomAD compares: African/African-American, 0.008%; no homozygotes.

Submission:

Labcorp Genetics (formerly Invitae), Labcorp
Classification: Uncertain significance. Last evaluated: 2025-10-14. Review status: criteria provided, single submitter. Criteria: Invitae Variant Classification Sherloc (09022015). Collection method: clinical testing. Allele origin: germline.
Comment: This sequence change replaces alanine, which is neutral and non-polar, with threonine, which is neutral and polar, at codon 305 of the CASQ1 protein (p.Ala305Thr). This variant is present in population databases (rs373107402, gnomAD 0.01%). This variant has not been reported in the literature in individuals affected with CASQ1-related conditions. Invitae Evidence Modeling of protein sequence and biophysical properties (such as structural, functional, and spatial information, amino acid conservation, physicochemical variation, residue mobility, and thermodynamic stability) indicates that this missense variant is not expected to disrupt CASQ1 protein function with a negative predictive value of 80%. In summary, the available evidence is currently insufficient to determine the role of this variant in disease. Therefore, it has been classified as a Variant of Uncertain Significance.